The following is an entry in ClinVar:

ClinVar aggregate classification (germline): Uncertain significance (1 of 4 stars; one submission).

Conditions:
Familial thoracic aortic aneurysm and aortic dissection (TAAD). Also called: Thoracic aortic aneurysms and dissections. Identifiers: Orphanet 91387, MedGen C4707243, MONDO:0019625.

Submission:

All of Us Research Program, National Institutes of Health
Classification: Uncertain significance for Familial thoracic aortic aneurysm and aortic dissection. Last evaluated: 2023-10-23. Review status: criteria provided, single submitter. Criteria: ACMG Guidelines, 2015. Collection method: clinical testing. Allele origin: germline. Inheritance: Autosomal dominant inheritance. Observed: 1 variant allele, 1 heterozygote.
Comment: This variant inserts 1 nucleotide in exon 5 of the MYH11 gene, creating a frameshift and premature translation stop signal. This variant is expected to result in an absent or non-functional protein product. To our knowledge, this variant has not been reported in individuals affected with MYH11-related disorders in the literature. This variant has not been identified in the general population by the Genome Aggregation Database (gnomAD). Clinical relevance of loss-of-function MYH11 truncation variants in autosomal dominant cardiovascular disorders is not clearly established. The available evidence is insufficient to determine the role of this variant in disease conclusively. Therefore, this variant is classified as a Variant of Uncertain Significance.

This study involves interpretation of variants in research participants for the purpose of population health screening. Participant phenotype was not available at the time of variant classification. Additional details can be found in publication PMID: 35346344, PMCID: PMC8962531

NM_002474.3(MYH11):c.553dup (p.Thr185fs)

Gene: MYH11 (myosin heavy chain 11; minus strand). Cytogenetic location: 16p13.11.
Variant type: Duplication.
Coding change: c.553dup on transcript NM_002474.3 (MANE Select); coding-DNA position 553, one base duplicated (A; older notation c.553dupA).
Protein change: p.Thr185fs; shifts the reading frame from threonine 185.
Molecular consequence: frameshift variant.
Genome position (GRCh38, 1-based): chr16:15,786,710, T duplicated on the plus strand (A on the coding strand, the reverse complement: MYH11 is on the minus strand); the first of 4 consecutive T bases (chr16:15,786,710-15,786,713); duplicating any one gives the same sequence. VCF-style (leftmost placement, unchanged base first): chr16-15786709-G-GT. GRCh37 (hg19) VCF-style: chr16-15880566-G-GT.
Other names: c.553dup, p.Thr185fs (NM_001040113.2, NM_001040114.2, NM_022844.3); short protein forms T185fs.
Identifiers: ClinVar variation 3074057 (VCV003074057.1), dbSNP rs2042477896, ClinGen allele CA2209933948.
Genomic context (GRCh38, chr16:15,786,709, plus strand): 5'-TTGCCCTTGTGGGAGGAGGCCACCACGGCCAGGTACTGAATGACCTTCTTGGTGTTTTCG[G>GT]TTTTCCCGGCTCCAGACTCGCCTCTGAAAGACACGGGAACATCATCTATGCACACGTTCC-3'